The following is an entry in ClinVar:

NM_014946.4(SPAST):c.923_927del (p.Thr308fs)

Gene: SPAST (spastin; plus strand). Cytogenetic location: 2p22.3.
Variant type: Deletion.
Coding change: c.923_927del on transcript NM_014946.4 (MANE Select); coding-DNA positions 923 to 927, 5 bases deleted (CTCGT; older notation c.923_927delCTCGT).
Protein change: p.Thr308fs; shifts the reading frame from threonine 308.
Molecular consequence: frameshift variant.
Genome position (GRCh38, 1-based): chr2:32,115,754-32,115,758, CTCGT deleted. VCF-style (leftmost placement, unchanged base first): chr2-32115753-ACTCGT-A. GRCh37 (hg19) VCF-style: chr2-32340822-ACTCGT-A.
Other names: c.920_924del, p.Thr307fs (NM_001363823.2); c.824_828del, p.Thr275fs (NM_001363875.2); c.827_831del, p.Thr276fs (NM_001377959.1, NM_199436.2); short protein forms T275fs, T276fs, T307fs, T308fs.
Identifiers: ClinVar variation 860362 (VCV000860362.9), dbSNP rs1678805683, ClinGen allele CA916082169.

ClinVar aggregate classification (germline): Pathogenic (1 of 4 stars; one submission).

Conditions:
Hereditary spastic paraplegia 4. Also called: Spastic Paraplegia 4; Spastic paraplegia 4, autosomal dominant; Familial spastic paraplegia autosomal dominant 2. Identifiers: Orphanet 100985, MedGen C1866855, MONDO:0008438, OMIM 182601.

Submission:

Labcorp Genetics (formerly Invitae), Labcorp
Classification: Pathogenic for Hereditary spastic paraplegia 4. Last evaluated: 2019-12-28. Review status: criteria provided, single submitter. Criteria: Invitae Variant Classification Sherloc (09022015). Collection method: clinical testing. Allele origin: germline.
Comment: For these reasons, this variant has been classified as Pathogenic. Loss-of-function variants in SPAST are known to be pathogenic (PMID: 20932283). This variant has not been reported in the literature in individuals with SPAST-related conditions. This variant is not present in population databases (ExAC no frequency). This sequence change creates a premature translational stop signal (p.Thr308Lysfs*9) in the SPAST gene. It is expected to result in an absent or disrupted protein product.

Literature cited by the submitters: PubMed 20932283.